The following is an entry in ClinVar:

ClinVar aggregate classification (germline): Pathogenic (1 of 4 stars; one submission).

Submission:

ISCA site 17
Classification: Pathogenic. Last evaluated: 2011-08-12. Review status: criteria provided, single submitter. Criteria: Kaminsky et al. (Genet Med. 2011). Collection method: clinical testing. Allele origin: unknown. Affected: yes. Observed: 1 variant allele.
Comment: Copy number variation identified through the course of routine clinical cytogenomic testing in postnatal populations. Clinical assertions have been curated as described in Kaminsky et al. 2011.

GRCh38/hg38 15q24.1-24.2(chr15:72629028-75242989)x3

Genes: CLK3 (CDC like kinase 3; plus strand), CLK3-AS1 (CLK3 antisense RNA 1; minus strand), INSYN1 (inhibitory synaptic factor 1; minus strand), INSYN1-AS1 (INSYN1 antisense RNA 1; plus strand), ISLR (immunoglobulin superfamily containing leucine rich repeat; plus strand) and 204 more. Cytogenetic location: 15q24.1-24.2.
Variant type: copy number gain.
Change: copy number 3 (three copies instead of two) of chr15:72,629,028-75,242,989 (2.61 Mb, GRCh38 coordinates, 1-based), cytogenetic band 15q24.1-24.2.
Identifiers: ClinVar variation 58078 (VCV000058078.1).